The following is an entry in ClinVar:

ClinVar aggregate classification (germline): Uncertain significance. Review status: criteria provided, multiple submitters, no conflicts (2 of 4 stars). 2 submissions from 2 submitters: Uncertain significance (2). Last evaluated 2025-05-27.

Conditions:
Spastic paraplegia. Identifiers: MedGen C0037772, HP:0001258.

Allele frequency attached by ClinVar (database versions not stated): gnomAD exomes below 0.00001; ExAC 0.00001; gnomAD 0.00001; TOPMed 0.00001.
gnomAD v4.1: 4 of 1,612,460 alleles (0.00025%); highest among the groups gnomAD compares: South Asian, 0.0022%; no homozygotes.

Submissions (2):

Labcorp Genetics (formerly Invitae), Labcorp
Classification: Uncertain significance for Spastic paraplegia. Last evaluated: 2025-05-27. Review status: criteria provided, single submitter. Criteria: Invitae Variant Classification Sherloc (09022015). Collection method: clinical testing. Allele origin: germline.
Comment: This sequence change replaces arginine, which is basic and polar, with cysteine, which is neutral and slightly polar, at codon 191 of the KIF5A protein (p.Arg191Cys). This variant is present in population databases (rs769315791, gnomAD 0.006%). This variant has not been reported in the literature in individuals affected with KIF5A-related conditions. ClinVar contains an entry for this variant (Variation ID: 2151059). Invitae Evidence Modeling of protein sequence and biophysical properties (such as structural, functional, and spatial information, amino acid conservation, physicochemical variation, residue mobility, and thermodynamic stability) indicates that this missense variant is expected to disrupt KIF5A protein function with a positive predictive value of 80%. In summary, the available evidence is currently insufficient to determine the role of this variant in disease. Therefore, it has been classified as a Variant of Uncertain Significance.

GeneDx
Classification: Uncertain significance. Last evaluated: 2023-10-25. Review status: criteria provided, single submitter. Criteria: GeneDx Variant Classification Process June 2021. Collection method: clinical testing. Allele origin: germline. Affected: yes.
Comment: In silico analysis supports that this missense variant has a deleterious effect on protein structure/function; Has not been previously published as pathogenic or benign to our knowledge

NM_004984.4(KIF5A):c.571C>T (p.Arg191Cys)

Gene: KIF5A (kinesin family member 5A; plus strand). Cytogenetic location: 12q13.3.
Variant type: single nucleotide variant.
Coding change: c.571C>T on transcript NM_004984.4 (MANE Select); coding-DNA position 571, C replaced by T.
Protein change: p.Arg191Cys; replaces arginine 191 with cysteine.
Molecular consequence: missense variant.
Genome position (GRCh38, 1-based): chr12:57,567,195, C>T. VCF-style: chr12-57567195-C-T. GRCh37 (hg19) VCF-style: chr12-57960978-C-T.
Other names: c.304C>T, p.Arg102Cys (NM_001354705.2); c.571C>T (NM_004984.2); short protein forms R102C, R191C.
Identifiers: ClinVar variation 2151059 (VCV002151059.5), dbSNP rs769315791, ClinGen allele CA6652629.